The following is an entry in ClinVar:

GRCh37/hg19 8q24.11(chr8:118825108-119054752)x3

Gene: EXT1 (exostosin glycosyltransferase 1; minus strand). Cytogenetic location: 8q24.11.
Variant type: copy number gain.
Change: copy number 3 (three copies instead of two) of chr8:118,825,108-119,054,752 (229.6 kb, GRCh37 coordinates, 1-based), cytogenetic band 8q24.11.
Other names: 8q24.11duplication.
Identifiers: ClinVar variation 225137 (VCV000225137.1).

ClinVar aggregate classification (germline): Pathogenic (0 of 4 stars; one submission).

Conditions:
Exostoses, multiple, type 1 (EXT1). Also called: Hereditary Multiple Osteochondromatosis, Type I; EXOSTOSES, MULTIPLE, TYPE I. Identifiers: MedGen CN263289, MONDO:0007585, OMIM 133700.

Submission:

Department of Medical Genetics, Zhongshan School of Medicine and Center for Genome Research, Sun Yat-Sen University
Classification: Pathogenic for Multiple exostoses. Last evaluated: 2014-07-01. Review status: no assertion criteria provided. Collection method: research. Allele origin: paternal. Affected: yes. Observed: 1 variant allele.
Comment: complex EXT1 intragenic duplicational CNV in Chr8:118,825,108-119,054,752, and with a 44bp insertion(CAAACTCTTGACCTCCCTTTTCTTTTTCCTTCCTTCCTTCC) between the normal and duplicated copy

Literature cited by the submitters: PubMed 25990786.